The following is an entry in ClinVar:

NM_014915.3(ANKRD26):c.2405G>T (p.Arg802Ile)

Gene: ANKRD26 (ankyrin repeat domain 26; minus strand). Cytogenetic location: 10p12.1.
Variant type: single nucleotide variant.
Coding change: c.2405G>T on transcript NM_014915.3 (MANE Select); coding-DNA position 2405, G replaced by T.
Protein change: p.Arg802Ile; replaces arginine 802 with isoleucine.
Molecular consequence: missense variant.
Genome position (GRCh38, 1-based): chr10:27,038,025, C>A on the plus strand (G>T on the coding strand, the complement: ANKRD26 is on the minus strand). VCF-style: chr10-27038025-C-A. GRCh37 (hg19) VCF-style: chr10-27326954-C-A.
Other names: c.2402G>T, p.Arg801Ile (NM_001256053.2); short protein forms R801I, R802I.
Identifiers: ClinVar variation 4859911 (VCV004859911.1).

ClinVar aggregate classification (germline): Uncertain significance (1 of 4 stars; one submission).

Conditions:
Inborn genetic diseases. Identifiers: MedGen C0950123, MeSH D030342.

Submission:

Ambry Genetics
Classification: Uncertain significance for Inborn genetic diseases. Last evaluated: 2026-05-22. Review status: criteria provided, single submitter. Criteria: Ambry Variant Classification Scheme 2023. Collection method: clinical testing. Allele origin: germline.
Comment: The p.R802I variant (also known as c.2405G>T), located in coding exon 22 of the ANKRD26 gene, results from a G to T substitution at nucleotide position 2405. The arginine at codon 802 is replaced by isoleucine, an amino acid with similar properties. This amino acid position is conserved. In addition, this alteration is predicted to be tolerated by in silico analysis. Based on the available evidence, the clinical significance of this variant remains unclear.